The following is an entry in ClinVar:

ClinVar aggregate classification (germline): Uncertain significance. Review status: criteria provided, multiple submitters, no conflicts (2 of 4 stars). 2 submissions from 2 submitters: Uncertain significance (2). Last evaluated 2025-01-31.

Conditions:
Wilms tumor 1 (WT1). Also called: Wilms tumor, somatic. Identifiers: Orphanet 654, MedGen CN033288, MONDO:0008679, OMIM 194070.
11p partial monosomy syndrome (WAGR). Also called: WAGR syndrome; CHROMOSOME 11p13 DELETION SYNDROME; WAGR Complex; WAGR Spectrum Disorder. Identifiers: Orphanet 893, MedGen C0206115, MONDO:0008681, OMIM 194072.
Drash syndrome (DDS). Also called: WILMS TUMOR AND PSEUDO- OR TRUE HERMAPHRODITISM; NEPHROPATHY, WILMS TUMOR, AND GENITAL ANOMALIES. Identifiers: Orphanet 220, MedGen C0950121, MONDO:0008682, OMIM 194080.
Frasier syndrome. Identifiers: Orphanet 347, MedGen C0950122, MeSH D052159, MONDO:0007635, OMIM 136680.
Inborn genetic diseases. Identifiers: MedGen C0950123, MeSH D030342.

Allele frequency attached by ClinVar (database versions not stated): gnomAD exomes below 0.00001; gnomAD 0.00001.

Submissions (2):

Ambry Genetics
Classification: Uncertain significance for Inborn genetic diseases. Last evaluated: 2025-01-31. Review status: criteria provided, single submitter. Criteria: Ambry Variant Classification Scheme 2023. Collection method: clinical testing. Allele origin: germline.
Comment: The p.M392T variant (also known as c.1175T>C), located in coding exon 7 of the WT1 gene, results from a T to C substitution at nucleotide position 1175. The methionine at codon 392 is replaced by threonine, an amino acid with similar properties. This amino acid position is well conserved in available vertebrate species. In addition, this alteration is predicted to be tolerated by in silico analysis. Based on the available evidence, the clinical significance of this variant remains unclear.

Labcorp Genetics (formerly Invitae), Labcorp
Classification: Uncertain significance for Wilms tumor 1; Drash syndrome; 11p partial monosomy syndrome; Frasier syndrome. Last evaluated: 2021-08-30. Review status: criteria provided, single submitter. Criteria: Invitae Variant Classification Sherloc (09022015). Collection method: clinical testing. Allele origin: germline.
Comment: This sequence change replaces methionine with threonine at codon 392 of the WT1 protein (p.Met392Thr). The methionine residue is highly conserved and there is a moderate physicochemical difference between methionine and threonine. This variant is not present in population databases (ExAC no frequency). This variant has not been reported in the literature in individuals affected with WT1-related conditions. Algorithms developed to predict the effect of missense changes on protein structure and function (SIFT, PolyPhen-2, Align-GVGD) all suggest that this variant is likely to be disruptive. In summary, the available evidence is currently insufficient to determine the role of this variant in disease. Therefore, it has been classified as a Variant of Uncertain Significance.

NM_024426.6(WT1):c.1190T>C (p.Met397Thr)

Gene: WT1 (WT1 transcription factor; minus strand). Cytogenetic location: 11p13.
Variant type: single nucleotide variant.
Coding change: c.1190T>C on transcript NM_024426.6 (MANE Select); coding-DNA position 1190, T replaced by C.
Protein change: p.Met397Thr; replaces methionine 397 with threonine.
Molecular consequence: missense variant. On other transcripts: initiator codon variant (1), non-coding transcript variant (1).
Genome position (GRCh38, 1-based): chr11:32,396,331, A>G on the plus strand (T>C on the coding strand, the complement: WT1 is on the minus strand). VCF-style: chr11-32396331-A-G. GRCh37 (hg19) VCF-style: chr11-32417877-A-G.
Other names: c.1139T>C, p.Met380Thr (NM_001407045.1, NM_001407048.1, NM_001407049.1 and 1 more transcripts); c.1190T>C, p.Met397Thr (NM_024424.5, NM_001407046.1); c.1067T>C, p.Met356Thr (NM_001407047.1); c.428T>C, p.Met143Thr (NM_001407051.1); c.1016T>C, p.Met339Thr (NM_001407050.1); c.539T>C, p.Met180Thr (NM_001198551.2); c.488T>C, p.Met163Thr (NM_001198552.2); c.2T>C, p.Met1Thr (NM_001367854.1); and 3 more; short protein forms M163T, M180T, M1T, M380T, M397T, M375T, M392T, M356T.
Identifiers: ClinVar variation 1051481 (VCV001051481.10), dbSNP rs2132940385, ClinGen allele CA379959933.